The following is an entry in ClinVar:

ClinVar aggregate classification (germline): Uncertain significance. Review status: criteria provided, multiple submitters, no conflicts (2 of 4 stars). 3 submissions from 3 submitters: Uncertain significance (2). 1 of the submissions does not count toward it. Last evaluated 2023-03-30.

Conditions:
Charcot-Marie-Tooth disease. Also called: Charcot-Marie-Tooth Neuropathy; Charcot-Marie-Tooth Hereditary Neuropathy. Identifiers: Orphanet 166, MedGen C0007959, MONDO:0015626.
Charcot-Marie-Tooth disease type 2. Also called: Charcot-Marie-Tooth type 2. Identifiers: Orphanet 64746, MedGen C0270914, MONDO:0018993.
Charcot-Marie-Tooth disease axonal type 2N (CMT2N). Also called: CHARCOT-MARIE-TOOTH DISEASE, AXONAL, AUTOSOMAL DOMINANT, TYPE 2N; CHARCOT-MARIE-TOOTH NEUROPATHY, AXONAL, TYPE 2N; Charcot-Marie-Tooth Neuropathy Type 2N. Identifiers: Orphanet 228174, MedGen C2750090, MONDO:0013212, OMIM 613287.

gnomAD v4.1: 1 of 1,614,148 alleles (0.000062%); highest among the groups gnomAD compares: South Asian, 0.0011%; no homozygotes.

Submissions (3):

Molecular Genetics, Royal Melbourne Hospital
Classification: Uncertain significance for Charcot-Marie-Tooth disease. Last evaluated: 2023-03-30. Review status: criteria provided, single submitter. Criteria: ACMG Guidelines, 2015. Collection method: clinical testing. Allele origin: germline. Affected: yes.
Comment: This sequence change in AARS1 is predicted to replace aspartic acid with tyrosine at codon 394, p.(Asp394Tyr). The aspartic acid residue is highly conserved (98/99 vertebrates, UCSC), and is located in the AA tRNA ligase II catalytic domain. There is a large physicochemical difference between aspartic acid and tyrosine. This variant is absent from the population database gnomAD v2.1 and v3.1. This variant has been identified in at least two probands with a phenotype consistent with Charcot-Marie-Tooth disease (ClinVar: SCV002583357.1; Royal Melbourne Hospital). Multiple lines of computational evidence have conflicting predictions for the missense substitution (3/6 algorithms predict deleterious). Based on the classification scheme RMH Modified ACMG Guidelines v1.5.1, this variant is classified as a VARIANT OF UNCERTAIN SIGNIFICANCE. Following criteria are met: PS4_Supporting, PM2_Supporting.

Labcorp Genetics (formerly Invitae), Labcorp
Classification: Uncertain significance for Charcot-Marie-Tooth disease type 2. Last evaluated: 2022-06-13. Review status: criteria provided, single submitter. Criteria: Invitae Variant Classification Sherloc (09022015). Collection method: clinical testing. Allele origin: germline.
Comment: This sequence change replaces aspartic acid, which is acidic and polar, with tyrosine, which is neutral and polar, at codon 394 of the AARS protein (p.Asp394Tyr). This variant is not present in population databases (gnomAD no frequency). This variant has not been reported in the literature in individuals affected with AARS-related conditions. Algorithms developed to predict the effect of missense changes on protein structure and function are either unavailable or do not agree on the potential impact of this missense change (SIFT: "Deleterious"; PolyPhen-2: "Probably Damaging"; Align-GVGD: "Class C0"). In summary, the available evidence is currently insufficient to determine the role of this variant in disease. Therefore, it has been classified as a Variant of Uncertain Significance.

Clinical Genetics Laboratory, University Hospital Schleswig-Holstein
Classification: Uncertain significance for Charcot-Marie-Tooth disease axonal type 2N. Last evaluated: 2021-12-01. Review status: no assertion criteria provided. Collection method: clinical testing. Allele origin: germline. Affected: yes. Not counted in ClinVar's aggregate classification.

NM_001605.3(AARS1):c.1180G>T (p.Asp394Tyr)

Gene: AARS1 (alanyl-tRNA synthetase 1; minus strand). Cytogenetic location: 16q22.1.
Variant type: single nucleotide variant.
Coding change: c.1180G>T on transcript NM_001605.3 (MANE Select); coding-DNA position 1180, G replaced by T.
Protein change: p.Asp394Tyr; replaces aspartic acid 394 with tyrosine.
Molecular consequence: missense variant.
Genome position (GRCh38, 1-based): chr16:70,267,701, C>A on the plus strand (G>T on the coding strand, the complement: AARS1 is on the minus strand). VCF-style: chr16-70267701-C-A. GRCh37 (hg19) VCF-style: chr16-70301604-C-A.
Other names: short protein forms D394Y.
Identifiers: ClinVar variation 1682248 (VCV001682248.9), dbSNP rs2152160177, ClinGen allele CA396563458.